The following is an entry in ClinVar:

ClinVar aggregate classification (germline): Conflicting classifications of pathogenicity. Review status: criteria provided, conflicting classifications (1 of 4 stars). 2 submissions from 2 submitters: Uncertain significance (1); Likely benign (1). Last evaluated 2025-11-04.

Conditions:
Inborn genetic diseases. Identifiers: MedGen C0950123, MeSH D030342.

Allele frequency attached by ClinVar (database versions not stated): gnomAD 0.00001; TOPMed 0.00001.
gnomAD v4.1: 29 of 1,614,082 alleles (0.0018%); highest among the groups gnomAD compares: Non-Finnish European, 0.0025%; no homozygotes.

Submissions (2):

Labcorp Genetics (formerly Invitae), Labcorp
Classification: Uncertain significance. Last evaluated: 2025-11-04. Review status: criteria provided, single submitter. Criteria: Invitae Variant Classification Sherloc (09022015). Collection method: clinical testing. Allele origin: germline.
Comment: This sequence change replaces alanine, which is neutral and non-polar, with aspartic acid, which is acidic and polar, at codon 1278 of the KMT2A protein (p.Ala1278Asp). This variant is present in population databases (rs782725093, gnomAD 0.002%). This variant has not been reported in the literature in individuals affected with KMT2A-related conditions. ClinVar contains an entry for this variant (Variation ID: 1376608). Invitae Evidence Modeling of protein sequence and biophysical properties (such as structural, functional, and spatial information, amino acid conservation, physicochemical variation, residue mobility, and thermodynamic stability) has been performed for this missense variant. However, the output from this modeling did not meet the statistical confidence thresholds required to predict the impact of this variant on KMT2A protein function. In summary, the available evidence is currently insufficient to determine the role of this variant in disease. Therefore, it has been classified as a Variant of Uncertain Significance.

Ambry Genetics
Classification: Likely benign for Inborn genetic diseases. Last evaluated: 2025-08-22. Review status: criteria provided, single submitter. Criteria: Ambry Variant Classification Scheme 2023. Collection method: clinical testing. Allele origin: germline.

NM_001197104.2(KMT2A):c.3833C>A (p.Ala1278Asp)

Gene: KMT2A (lysine methyltransferase 2A; plus strand). Cytogenetic location: 11q23.3.
Variant type: single nucleotide variant.
Coding change: c.3833C>A on transcript NM_001197104.2 (MANE Select); coding-DNA position 3833, C replaced by A.
Protein change: p.Ala1278Asp; replaces alanine 1278 with aspartic acid.
Molecular consequence: missense variant.
Genome position (GRCh38, 1-based): chr11:118,481,913, C>A. VCF-style: chr11-118481913-C-A. GRCh37 (hg19) VCF-style: chr11-118352628-C-A.
Other names: c.3833C>A (NM_001197104.1); c.3833C>A, p.Ala1278Asp (NM_005933.4); short protein forms A1278D.
Identifiers: ClinVar variation 1376608 (VCV001376608.9), dbSNP rs782725093, ClinGen allele CA6303736.